The following is an entry in ClinVar:

ClinVar aggregate classification (germline): Pathogenic (1 of 4 stars; one submission).

Conditions:
Cardiovascular phenotype. Identifiers: MedGen CN230736.

Submission:

Ambry Genetics
Classification: Pathogenic for Cardiovascular phenotype. Last evaluated: 2025-06-26. Review status: criteria provided, single submitter. Criteria: Ambry Variant Classification Scheme 2023. Collection method: clinical testing. Allele origin: germline.
Comment: The c.2131_2132delAG pathogenic mutation, located in coding exon 16 of the DSP gene, results from a deletion of two nucleotides at nucleotide positions 2131 to 2132, causing a translational frameshift with a predicted alternate stop codon (p.S711Cfs*4). This variant was reported as heterozygous in individual(s) with features consistent with DSP-related cardiomyopathy (Mak CM et al. Hong Kong Med J, 2018 Aug;24:340-349; Jeong JH et al. Europace, 2023 Nov;25:[ePub ahead of print]). In addition, this variant has been identified in the homozygous state and/or in conjunction with other DSP variant(s) in individual(s) with features consistent with DSP-related cardiocutaneous spectrum disorders (Pigors M et al. Acta Derm Venereol, 2015 Mar;95:337-40; Bueno-Beti C et al. Prog Pediatr Cardiol, 2022 Mar;64:None). This variant is considered to be rare based on population cohorts in the Genome Aggregation Database (gnomAD). This alteration is expected to result in loss of function by premature protein truncation or nonsense-mediated mRNA decay. As such, this alteration is interpreted as a disease-causing mutation.

Literature cited by the submitters: PubMed 25227139; PubMed 29497013; PubMed 35300203; PubMed 37949661.

NM_004415.2:c.2131_2132delAG

Gene: DSP (desmoplakin; plus strand).
Variant type: Deletion.
Identifiers: ClinVar variation 4245097 (VCV004245097.1).